The following is an entry in ClinVar:

ClinVar aggregate classification (germline): Pathogenic/Likely pathogenic. Review status: criteria provided, multiple submitters, no conflicts (2 of 4 stars). 6 submissions from 6 submitters: Pathogenic (1); Likely pathogenic (5). Last evaluated 2026-02-09.

Conditions:
Pheochromocytoma/paraganglioma syndrome 4. Also called: CAROTID BODY TUMORS AND MULTIPLE EXTRAADRENAL PHEOCHROMOCYTOMAS; SDHB-Related Hereditary Paraganglioma-Pheochromocytoma Syndrome; Paragangliomas 4; SDHB-Related Hereditary Paraganglioma-Pheochromocytoma Syndrome (Paragangliomas 4); PARAGANGLIOMA, FAMILIAL MALIGNANT; PARAGANGLIOMAS, HEREDITARY EXTRAADRENAL. Identifiers: Orphanet 29072, MedGen C1861848, MONDO:0007273, OMIM 115310.
Gastrointestinal stromal tumor. Also called: Gastrointestinal stromal tumor, somatic; Gastrointestinal stroma tumor. Identifiers: Orphanet 44890, MedGen C0238198, MeSH D046152, MONDO:0011719, OMIM 606764, HP:0100723.
Pheochromocytoma. Also called: MAX-Related Hereditary Paraganglioma-Pheochromocytoma Syndrome. Identifiers: Orphanet 29072, MedGen C0031511, MONDO:0008233, OMIM 171300, HP:0002666.
Hereditary cancer-predisposing syndrome. Also called: Neoplastic Syndromes, Hereditary; Hereditary Cancer Syndrome; Hereditary neoplastic syndrome; Tumor predisposition. Identifiers: Orphanet 140162, MedGen C0027672, MeSH D009386, MONDO:0015356.
Hereditary pheochromocytoma and paraganglioma. Also called: Hereditary Paraganglioma-Pheochromocytoma Syndromes; Hereditary pheochromocytoma-paraganglioma; Hereditary paragangliomas and pheochromocytomas. Identifiers: Orphanet 29072, MedGen C4274332, MONDO:0017366.

gnomAD v4.1: 1 of 1,613,504 alleles (0.000062%); highest among the groups gnomAD compares: Non-Finnish European, 0.000085%; no homozygotes.

Submissions (6):

Ambry Genetics
Classification: Pathogenic for Hereditary cancer-predisposing syndrome. Last evaluated: 2026-02-09. Review status: criteria provided, single submitter. Criteria: Ambry Variant Classification Scheme 2023. Collection method: clinical testing. Allele origin: germline.
Comment: The p.R217L pathogenic mutation (also known as c.650G>T), located in coding exon 7 of the SDHB gene, results from a G to T substitution at nucleotide position 650. The arginine at codon 217 is replaced by leucine, an amino acid with dissimilar properties. This variant was reported in individuals with features consistent with SDHB-related hereditary pheochromocytoma-paraganglioma (Neumann HP et al. Cancer Res, 2009 Apr;69:3650-6; Michaowska I et al. Neuroendocrinology, 2015 Mar;101:321-30; Michaowska I et al. Pol J Radiol, 2016 Oct;81:510-518; Pczkowska M et al. Eur J Endocrinol, 2017 Feb;176:143-157; Bayley JP et al. J Med Genet, 2020 Feb;57:96-103; Ambry internal data). In a yeast based assay testing SDHB function, this variant showed a functionally abnormal result (Panizza E et al. Hum Mol Genet, 2013 Feb;22:804-15). This amino acid position is highly conserved in available vertebrate species. In addition, this alteration is predicted to be deleterious by in silico analysis. Based on the supporting evidence, this variant is interpreted as a disease-causing mutation.

Labcorp Genetics (formerly Invitae), Labcorp
Classification: Likely pathogenic for Gastrointestinal stromal tumor; Pheochromocytoma/paraganglioma syndrome 4; Pheochromocytoma. Last evaluated: 2025-06-30. Review status: criteria provided, single submitter. Criteria: Invitae Variant Classification Sherloc (09022015). Collection method: clinical testing. Allele origin: germline.
Comment: This sequence change replaces arginine, which is basic and polar, with leucine, which is neutral and non-polar, at codon 217 of the SDHB protein (p.Arg217Leu). This variant is present in population databases (no rsID available, gnomAD 0.0009%). This missense change has been observed in individual(s) with personal or family history of paraganglioma-pheochromocytoma syndromes (PMID: 19351833, 25791839, 27867439, 29386252). ClinVar contains an entry for this variant (Variation ID: 967921). Invitae Evidence Modeling of protein sequence and biophysical properties (such as structural, functional, and spatial information, amino acid conservation, physicochemical variation, residue mobility, and thermodynamic stability) indicates that this missense variant is expected to disrupt SDHB protein function with a positive predictive value of 80%. Experimental studies have shown that this missense change affects SDHB function (PMID: 23175444). This variant disrupts the p.Arg217 amino acid residue in SDHB. Other variant(s) that disrupt this residue have been determined to be pathogenic (PMID: 18753105, 19351833, 19454582, 19802898, 23735539, 24659481). This suggests that this residue is clinically significant, and that variants that disrupt this residue are likely to be disease-causing. In summary, the currently available evidence indicates that the variant is pathogenic, but additional data are needed to prove that conclusively. Therefore, this variant has been classified as Likely Pathogenic.

Quest Diagnostics Nichols Institute San Juan Capistrano
Classification: Likely pathogenic. Last evaluated: 2025-03-01. Review status: criteria provided, single submitter. Criteria: Quest Diagnostics criteria. Collection method: clinical testing. Allele origin: unknown.
Comment: The SDHB c.650G>T (p.Arg217Leu) variant has been reported in the published literature in individuals with a personal and/or family history of pheochromocytoma (PCC) and/or paraganglioma (PGL) (PMID: 29386252 (2018)), including head and neck PGLs (PMIDs: 27867439 (2016), 19351833 (2009)). Experimental studies report this variant is damaging to protein function in yeast based assays (PMID: 23175444 (2013)). The frequency of this variant in the general population (Genome Aggregation Database) is consistent with pathogenicity. Analysis of this variant using bioinformatics tools for the prediction of the effect of amino acid changes on protein structure and function yielded predictions that this variant is damaging. Based on the available information, this variant is classified as likely pathogenic.

GeneDx
Classification: Likely pathogenic. Last evaluated: 2024-11-19. Review status: criteria provided, single submitter. Criteria: GeneDx Variant Classification Process June 2021. Collection method: clinical testing. Allele origin: germline. Affected: yes.
Comment: In silico analysis supports that this missense variant has a deleterious effect on protein structure/function; Not observed at significant frequency in large population cohorts (gnomAD); This variant is associated with the following publications: (PMID: 19351833, 31492822, 29386252, 27867439, 23175444)

All of Us Research Program, National Institutes of Health
Classification: Likely pathogenic for Hereditary pheochromocytoma and paraganglioma. Last evaluated: 2024-06-09. Review status: criteria provided, single submitter. Criteria: ACMG Guidelines, 2015. Collection method: clinical testing. Allele origin: germline. Inheritance: Autosomal dominant inheritance. Observed: 1 variant allele, 1 heterozygote.
Comment: This missense variant replaces arginine with leucine at codon 217 of the SDHB protein. Computational prediction suggests that this variant may have deleterious impact on protein structure and function (internally defined REVEL score threshold >= 0.7, PMID: 27666373). A functional study in yeast has reported this variant was unable to support respiratory growth, was deficient for succinate dehydrogenase activity and displayed increased mtDNA mutability (PMID: 23175444). This variant has been reported in individuals affected with pheochromocytomas or paragangliomas (PMID: 25791839, 27867439, 29386252). This variant has been identified in 1/250910 chromosomes in the general population by the Genome Aggregation Database (gnomAD). Based on the available evidence, this variant is classified as Likely Pathogenic.

This study involves interpretation of variants in research participants for the purpose of population health screening. Participant phenotype was not available at the time of variant classification. Additional details can be found in publication PMID: 35346344, PMCID: PMC8962531

Color Diagnostics, LLC DBA Color Health
Classification: Likely pathogenic for Hereditary pheochromocytoma and paraganglioma. Last evaluated: 2024-04-02. Review status: criteria provided, single submitter. Criteria: ACMG Guidelines, 2015. Collection method: clinical testing. Allele origin: germline.
Comment: This missense variant replaces arginine with leucine at codon 217 of the SDHB protein. Computational prediction suggests that this variant may have deleterious impact on protein structure and function (internally defined REVEL score threshold >= 0.7, PMID: 27666373). A functional study in yeast has reported this variant was unable to support respiratory growth, was deficient for succinate dehydrogenase activity and displayed increased mtDNA mutability (PMID: 23175444). This variant has been reported in individuals affected with pheochromocytomas or paragangliomas (PMID: 25791839, 27867439, 29386252). This variant has been identified in 1/250910 chromosomes in the general population by the Genome Aggregation Database (gnomAD). Based on the available evidence, this variant is classified as Likely Pathogenic.

Literature cited by the submitters: PubMed 19351833 (cited by Ambry Genetics and Labcorp Genetics (formerly Invitae), Labcorp); PubMed 23175444 (cited by 4 submitters); PubMed 25791839 (cited by 4 submitters); PubMed 27867439 (cited by 4 submitters); PubMed 27913608 (cited by Ambry Genetics); PubMed 31492822 (cited by Ambry Genetics); PubMed 29386252 (cited by 3 submitters); PubMed 18753105 (cited by Labcorp Genetics (formerly Invitae), Labcorp); PubMed 19454582 (cited by Labcorp Genetics (formerly Invitae), Labcorp); PubMed 19802898 (cited by Labcorp Genetics (formerly Invitae), Labcorp); PubMed 23735539 (cited by Labcorp Genetics (formerly Invitae), Labcorp); PubMed 24659481 (cited by Labcorp Genetics (formerly Invitae), Labcorp).

NM_003000.3(SDHB):c.650G>T (p.Arg217Leu)

Gene: SDHB (succinate dehydrogenase complex iron sulfur subunit B; minus strand). Cytogenetic location: 1p36.13.
Variant type: single nucleotide variant.
Coding change: c.650G>T on transcript NM_003000.3 (MANE Select); coding-DNA position 650, G replaced by T.
Protein change: p.Arg217Leu; replaces arginine 217 with leucine.
Molecular consequence: missense variant.
Genome position (GRCh38, 1-based): chr1:17,022,723, C>A on the plus strand (G>T on the coding strand, the complement: SDHB is on the minus strand). VCF-style: chr1-17022723-C-A. GRCh37 (hg19) VCF-style: chr1-17349218-C-A.
Other names: short protein forms R217L.
Identifiers: ClinVar variation 967921 (VCV000967921.12), dbSNP rs747518441, ClinGen allele CA338270498.